The following is an entry in ClinVar:

ClinVar aggregate classification (germline): Likely benign. Review status: criteria provided, single submitter (1 of 4 stars). 2 submissions from 2 submitters: Likely benign (1). 1 of the submissions does not count toward it. Last evaluated 2026-07-01.

Conditions:
NEMF-related disorder. Also called: NEMF-related condition.

Allele frequency attached by ClinVar (database versions not stated): TOPMed 0.00005; ESP Exome Variant Server 0.00015; gnomAD 0.00018; gnomAD exomes 0.00026; ExAC 0.00069; 1000 Genomes Project 30x 0.00094; 1000 Genomes Project 0.00100.
gnomAD v4.1: 415 of 1,599,096 alleles (0.026%); highest among the groups gnomAD compares: South Asian, 0.4%; 3 homozygotes.

Submissions (2):

CeGaT Center for Human Genetics Tuebingen
Classification: Likely benign. Last evaluated: 2026-07-01. Review status: criteria provided, single submitter. Criteria: CeGaT Center For Human Genetics Tuebingen Variant Classification Criteria Version 2. Collection method: clinical testing. Allele origin: germline. Affected: yes. Observed: 1 variant allele.
Comment: NEMF: BP4, BP7

PreventionGenetics, part of Exact Sciences
Classification: Likely benign for NEMF-related condition. Last evaluated: 2019-12-05. Review status: no assertion criteria provided. Collection method: clinical testing. Allele origin: germline. Not counted in ClinVar's aggregate classification.
Comment: This variant is classified as likely benign based on ACMG/AMP sequence variant interpretation guidelines (Richards et al. 2015 PMID: 25741868, with internal and published modifications).

NM_004713.6(NEMF):c.1446T>C (p.Tyr482=)

Gene: NEMF (nuclear export mediator factor; minus strand). Cytogenetic location: 14q21.3.
Variant type: single nucleotide variant.
Coding change: c.1446T>C on transcript NM_004713.6 (MANE Select); coding-DNA position 1446, T replaced by C.
Protein change: p.Tyr482=; no amino-acid change (tyrosine 482 retained).
Molecular consequence: synonymous variant.
Genome position (GRCh38, 1-based): chr14:49,828,333, A>G on the plus strand (T>C on the coding strand, the complement: NEMF is on the minus strand). VCF-style: chr14-49828333-A-G. GRCh37 (hg19) VCF-style: chr14-50295051-A-G.
Other names: c.1446T>C, p.Tyr482= (NM_001301732.3).
Identifiers: ClinVar variation 3049079 (VCV003049079.3), dbSNP rs369479514, ClinGen allele CA7175275.